The following is an entry in ClinVar:

ClinVar aggregate classification (germline): Conflicting classifications of pathogenicity. Review status: criteria provided, conflicting classifications (1 of 4 stars). 2 submissions from 2 submitters: Uncertain significance (1); Likely benign (1). Last evaluated 2024-08-08.

Conditions:
Koolen-de Vries syndrome (KDVS). Identifiers: Orphanet 96169, MedGen C1864871, MONDO:0012496, OMIM 610443.

Allele frequency attached by ClinVar (database versions not stated): TOPMed below 0.00001; gnomAD 0.00001; ESP Exome Variant Server 0.00008.
gnomAD v4.1: 3 of 1,614,066 alleles (0.00019%); highest among the groups gnomAD compares: African/African-American, 0.0027%; no homozygotes.

Submissions (2):

Labcorp Genetics (formerly Invitae), Labcorp
Classification: Uncertain significance for Koolen-de Vries syndrome. Last evaluated: 2024-08-08. Review status: criteria provided, single submitter. Criteria: Invitae Variant Classification Sherloc (09022015). Collection method: clinical testing. Allele origin: germline.
Comment: This sequence change replaces lysine, which is basic and polar, with asparagine, which is neutral and polar, at codon 702 of the KANSL1 protein (p.Lys702Asn). This variant is not present in population databases (gnomAD no frequency). This variant has not been reported in the literature in individuals affected with KANSL1-related conditions. ClinVar contains an entry for this variant (Variation ID: 380547). Advanced modeling of protein sequence and biophysical properties (such as structural, functional, and spatial information, amino acid conservation, physicochemical variation, residue mobility, and thermodynamic stability) has been performed at Invitae for this missense variant, however the output from this modeling did not meet the statistical confidence thresholds required to predict the impact of this variant on KANSL1 protein function. In summary, the available evidence is currently insufficient to determine the role of this variant in disease. Therefore, it has been classified as a Variant of Uncertain Significance.

GeneDx
Classification: Likely benign. Last evaluated: 2015-09-09. Review status: criteria provided, single submitter. Criteria: GeneDx Variant Classification (06012015). Collection method: clinical testing. Allele origin: germline. Affected: yes.
Comment: This variant is considered likely benign or benign based on one or more of the following criteria: it is a conservative change, it occurs at a poorly conserved position in the protein, it is predicted to be benign by multiple in silico algorithms, and/or has population frequency not consistent with disease.

NM_015443.4(KANSL1):c.2106G>C (p.Lys702Asn)

Gene: KANSL1 (KAT8 regulatory NSL complex subunit 1). Cytogenetic location: 17q21.31.
Variant type: single nucleotide variant.
Coding change: c.2106G>C on transcript NM_015443.4 (MANE Select); coding-DNA position 2106, G replaced by C.
Protein change: p.Lys702Asn; replaces lysine 702 with asparagine.
Molecular consequence: missense variant.
Genome position (GRCh38, 1-based): chr17:46,039,799, C>G on the plus strand (G>C on the coding strand, the complement: KANSL1 is on the minus strand). VCF-style: chr17-46039799-C-G. GRCh37 (hg19) VCF-style: chr17-44117165-C-G.
Other names: c.2106G>C, p.Lys702Asn (NM_001193465.2, NM_001193466.2, NM_001379198.1); short protein forms K702N.
Identifiers: ClinVar variation 380547 (VCV000380547.10), dbSNP rs371108710, ClinGen allele CA16607697.
Genomic context (GRCh38, chr17:46,039,799, plus strand): 5'-GTCCTTACGAGCTGAATCTGGCAGACTGCCCGGCATGGGTGCTCTGTGCTTAAGCGATAA[C>G]TTTTTGGGAGGTTTGATTTTGTCAAAAGGCTTGTTCTGCCACTGAGATTTCAGCATGCTC-3'
Protein context (NP_056258.1, residues 692-712): KPFDKIKPPK[Lys702Asn]LSLKHRAPMP